The following is an entry in ClinVar:

ClinVar aggregate classification (germline): Uncertain significance (1 of 4 stars; one submission).

Conditions:
Emery-Dreifuss muscular dystrophy 4, autosomal dominant (EDMD4). Also called: EMERY-DREIFUSS MUSCULAR DYSTROPHY 4 WITH VARIABLE FEATURES. Identifiers: Orphanet 261, MedGen C2751807, MONDO:0013071, OMIM 612998.
Autosomal recessive ataxia, Beauce type. Also called: SYNE1-Related Autosomal Recessive Cerebellar Ataxia; SYNE1 Deficiency; Spinocerebellar ataxia, autosomal recessive 8; ATAXIA, RECESSIVE, OF BEAUCE. Identifiers: Orphanet 88644, MedGen C1853116, MONDO:0012549, OMIM 610743.

Allele frequency attached by ClinVar (database versions not stated): ExAC 0.00002; ESP Exome Variant Server 0.00008.
gnomAD v4.1: 7 of 1,614,138 alleles (0.00043%); highest among the groups gnomAD compares: South Asian, 0.0022%; no homozygotes.

Submission:

Labcorp Genetics (formerly Invitae), Labcorp
Classification: Uncertain significance for Emery-Dreifuss muscular dystrophy 4, autosomal dominant; Autosomal recessive ataxia, Beauce type. Last evaluated: 2023-12-18. Review status: criteria provided, single submitter. Criteria: Invitae Variant Classification Sherloc (09022015). Collection method: clinical testing. Allele origin: germline.
Comment: This sequence change replaces valine, which is neutral and non-polar, with methionine, which is neutral and non-polar, at codon 8614 of the SYNE1 protein (p.Val8614Met). This variant is present in population databases (rs370827602, gnomAD 0.007%). This variant has not been reported in the literature in individuals affected with SYNE1-related conditions. Algorithms developed to predict the effect of missense changes on protein structure and function output the following: SIFT: "Not Available"; PolyPhen-2: "Benign"; Align-GVGD: "Not Available". The methionine amino acid residue is found in multiple mammalian species, which suggests that this missense change does not adversely affect protein function. In summary, the available evidence is currently insufficient to determine the role of this variant in disease. Therefore, it has been classified as a Variant of Uncertain Significance.

NM_182961.4(SYNE1):c.25984G>A (p.Val8662Met)

Gene: SYNE1 (spectrin repeat containing nuclear envelope protein 1; minus strand). Cytogenetic location: 6q25.2.
Variant type: single nucleotide variant.
Coding change: c.25984G>A on transcript NM_182961.4 (MANE Select); coding-DNA position 25984, G replaced by A.
Protein change: p.Val8662Met; replaces valine 8662 with methionine.
Molecular consequence: missense variant.
Genome position (GRCh38, 1-based): chr6:152,133,293, C>T on the plus strand (G>A on the coding strand, the complement: SYNE1 is on the minus strand). VCF-style: chr6-152133293-C-T. GRCh37 (hg19) VCF-style: chr6-152454428-C-T.
Other names: c.2590G>A, p.Val864Met (NM_001347701.2); c.2518G>A, p.Val840Met (NM_001347702.2); c.25840G>A, p.Val8614Met (NM_033071.5); short protein forms V8614M, V840M, V8662M, V864M.
Identifiers: ClinVar variation 2926202 (VCV002926202.3), dbSNP rs370827602, ClinGen allele CA4052706.